The following is an entry in ClinVar:

NM_053025.4(MYLK):c.518AAG[1] (p.Glu174del)

Gene: MYLK (myosin light chain kinase; minus strand). Cytogenetic location: 3q21.1.
Variant type: Microsatellite.
Coding change: c.518AAG[1] on transcript NM_053025.4 (MANE Select); one copy of the 3-base unit AAG starting at c.518; the reference has two copies in a row; one copy, 3 bases deleted.
Protein change: p.Glu174del; deletes glutamic acid 174.
Molecular consequence: 5 prime UTR variant (on NM_001321309.2).
Genome position (GRCh38, 1-based): chr3:123,738,962-123,738,964, CTT deleted on the plus strand (AAG on the coding strand, the reverse complement: MYLK is on the minus strand); deleting any 3 consecutive bases within chr3:123,738,962-123,738,967 gives the same sequence; the position shown is the placement nearest the transcript's 3' end. VCF-style (leftmost placement, unchanged base first): chr3-123738961-CCTT-C. GRCh37 (hg19) VCF-style: chr3-123457808-CCTT-C.
Other names: c.-11AAG[1] (NM_001321309.2); c.518AAG[1], p.Glu174del (NM_053026.4, NM_053027.4, NM_053028.4); short protein forms E174del.
Identifiers: ClinVar variation 3680058 (VCV003680058.2).

ClinVar aggregate classification (germline): Uncertain significance (1 of 4 stars; one submission).

Conditions:
Aortic aneurysm, familial thoracic 7 (AAT7). Also called: AORTIC DISSECTION, FAMILIAL, WITH OR WITHOUT AORTIC ANEURYSM. Identifiers: MedGen C3151077, MONDO:0013418, OMIM 613780.

Submission:

Labcorp Genetics (formerly Invitae), Labcorp
Classification: Uncertain significance for Aortic aneurysm, familial thoracic 7. Last evaluated: 2024-04-22. Review status: criteria provided, single submitter. Criteria: Invitae Variant Classification Sherloc (09022015). Collection method: clinical testing. Allele origin: germline.
Comment: This variant, c.521_523del, results in the deletion of 1 amino acid(s) of the MYLK protein (p.Glu174del), but otherwise preserves the integrity of the reading frame. This variant is not present in population databases (gnomAD no frequency). This variant has not been reported in the literature in individuals affected with MYLK-related conditions. Experimental studies and prediction algorithms are not available or were not evaluated, and the functional significance of this variant is currently unknown. In summary, the available evidence is currently insufficient to determine the role of this variant in disease. Therefore, it has been classified as a Variant of Uncertain Significance.